The following is an entry in ClinVar:

ClinVar aggregate classification (germline): Uncertain significance (1 of 4 stars; one submission).

Allele frequency attached by ClinVar (database versions not stated): gnomAD exomes 0.00001; ExAC 0.00002.
gnomAD v4.1: 8 of 1,613,338 alleles (0.0005%); highest among the groups gnomAD compares: South Asian, 0.0011%; no homozygotes.

Submission:

Labcorp Genetics (formerly Invitae), Labcorp
Classification: Uncertain significance. Last evaluated: 2024-04-15. Review status: criteria provided, single submitter. Criteria: Invitae Variant Classification Sherloc (09022015). Collection method: clinical testing. Allele origin: germline.
Comment: This sequence change replaces leucine, which is neutral and non-polar, with phenylalanine, which is neutral and non-polar, at codon 606 of the ZCCHC8 protein (p.Leu606Phe). This variant is present in population databases (rs759708916, gnomAD 0.0009%). This variant has not been reported in the literature in individuals affected with ZCCHC8-related conditions. Advanced modeling of protein sequence and biophysical properties (such as structural, functional, and spatial information, amino acid conservation, physicochemical variation, residue mobility, and thermodynamic stability) performed at Invitae indicates that this missense variant is not expected to disrupt ZCCHC8 protein function with a negative predictive value of 80%. In summary, the available evidence is currently insufficient to determine the role of this variant in disease. Therefore, it has been classified as a Variant of Uncertain Significance.

NM_017612.5(ZCCHC8):c.1816C>T (p.Leu606Phe)

Gene: ZCCHC8 (zinc finger CCHC-type containing 8; minus strand). Cytogenetic location: 12q24.31.
Variant type: single nucleotide variant.
Coding change: c.1816C>T on transcript NM_017612.5 (MANE Select); coding-DNA position 1816, C replaced by T.
Protein change: p.Leu606Phe; replaces leucine 606 with phenylalanine.
Molecular consequence: missense variant.
Genome position (GRCh38, 1-based): chr12:122,473,805, G>A on the plus strand (C>T on the coding strand, the complement: ZCCHC8 is on the minus strand). VCF-style: chr12-122473805-G-A. GRCh37 (hg19) VCF-style: chr12-122958352-G-A.
Other names: c.1585C>T, p.Leu529Phe (NM_001350935.2); c.1519C>T, p.Leu507Phe (NM_001350936.2); c.1102C>T, p.Leu368Phe (NM_001350937.2, NM_001350938.2); short protein forms L368F, L507F, L529F, L606F.
Identifiers: ClinVar variation 2788653 (VCV002788653.3), dbSNP rs759708916, ClinGen allele CA6846089.